The following is an entry in ClinVar:

ClinVar aggregate classification (germline): Conflicting classifications of pathogenicity. Review status: criteria provided, conflicting classifications (1 of 4 stars). 4 submissions from 4 submitters: Uncertain significance (3); Likely benign (1). Last evaluated 2025-07-08.

Conditions:
Marfan syndrome (MFS). Also called: MARFAN SYNDROME, TYPE I; Marfan syndrome type 1; Marfan's syndrome; Marfan syndrome, classic; FBN1-Related Marfan Syndrome. Identifiers: Orphanet 284963, Orphanet 558, MedGen C0024796, MONDO:0007947, OMIM 154700.
Familial thoracic aortic aneurysm and aortic dissection (TAAD). Also called: Thoracic aortic aneurysms and dissections. Identifiers: Orphanet 91387, MedGen C4707243, MONDO:0019625.

gnomAD v4.1: 4 of 1,613,910 alleles (0.00025%); highest among the groups gnomAD compares: Non-Finnish European, 0.00034%; no homozygotes.

Submissions (4):

Women's Health and Genetics/Laboratory Corporation of America, LabCorp
Classification: Uncertain significance. Last evaluated: 2025-07-08. Review status: criteria provided, single submitter. Criteria: LabCorp Variant Classification Summary - May 2015. Collection method: clinical testing. Allele origin: germline.
Comment: Variant summary: FBN1 c.8222T>C (p.Ile2741Thr) results in a non-conservative amino acid change in the encoded protein sequence. Algorithms developed to predict the effect of missense changes on protein structure and function are either unavailable or do not agree on the potential impact of this missense change. The variant allele was found at a frequency of 4e-06 in 251234 control chromosomes. The available data on variant occurrences in the general population are insufficient to allow any conclusion about variant significance. c.8222T>C has been observed in one individual affected with clinical features of Marfan Syndrome. The report does not provide unequivocal conclusions about association of the variant with Marfan Syndrome. To our knowledge, no experimental evidence demonstrating an impact on protein function has been reported. The following publications have been ascertained in the context of this evaluation (PMID: 24665001, 26860060, 27087445). ClinVar contains an entry for this variant (Variation ID: 2933163). Based on the evidence outlined above, the variant was classified as uncertain significance.

All of Us Research Program, National Institutes of Health
Classification: Uncertain significance for Marfan syndrome. Last evaluated: 2024-03-24. Review status: criteria provided, single submitter. Criteria: ACMG Guidelines, 2015. Collection method: clinical testing. Allele origin: germline. Inheritance: Autosomal dominant inheritance. Observed: 1 variant allele, 1 heterozygote.
Comment: This missense variant replaces isoleucine with threonine at codon 2741 of the FBN1 protein.Computational prediction tools indicate that this variant has a neutral impact on protein structure and function. To our knowledge, functional studies have not been reported for this variant. This variant has been reported in one individual affected with neonatal progeroid syndrome (PMID: 24665001, 27087445); this individual also carried a de novo pathogenic splice site variant in the FBN1 gene. This variant has been identified in 1/251234 chromosomes in the general population by the Genome Aggregation Database (gnomAD). The available evidence is insufficient to determine the role of this variant in disease conclusively. Therefore, this variant is classified as a Variant of Uncertain Significance.

This study involves interpretation of variants in research participants for the purpose of population health screening. Participant phenotype was not available at the time of variant classification. Additional details can be found in publication PMID: 35346344, PMCID: PMC8962531

Color Diagnostics, LLC DBA Color Health
Classification: Uncertain significance for Familial thoracic aortic aneurysm and aortic dissection. Last evaluated: 2024-03-12. Review status: criteria provided, single submitter. Criteria: ACMG Guidelines, 2015. Collection method: clinical testing. Allele origin: germline.
Comment: This missense variant replaces isoleucine with threonine at codon 2741 of the FBN1 protein.Computational prediction tools indicate that this variant has a neutral impact on protein structure and function. To our knowledge, functional studies have not been reported for this variant. This variant has been reported in one individual affected with neonatal progeroid syndrome (PMID: 24665001, 27087445)this individual also carried a de novo pathogenic splice site variant in the FBN1 gene. This variant has been identified in 1/251234 chromosomes in the general population by the Genome Aggregation Database (gnomAD). The available evidence is insufficient to determine the role of this variant in disease conclusively. Therefore, this variant is classified as a Variant of Uncertain Significance.

Labcorp Genetics (formerly Invitae), Labcorp
Classification: Likely benign for Marfan syndrome; Familial thoracic aortic aneurysm and aortic dissection. Last evaluated: 2023-08-23. Review status: criteria provided, single submitter. Criteria: Invitae Variant Classification Sherloc (09022015). Collection method: clinical testing. Allele origin: germline.

Literature cited by the submitters: PubMed 24665001 (cited by 3 submitters); PubMed 26860060 (cited by Women's Health and Genetics/Laboratory Corporation of America, LabCorp); PubMed 27087445 (cited by 3 submitters).

NM_000138.5(FBN1):c.8222T>C (p.Ile2741Thr)

Gene: FBN1 (fibrillin 1; minus strand). Cytogenetic location: 15q21.1.
Variant type: single nucleotide variant.
Coding change: c.8222T>C on transcript NM_000138.5 (MANE Select); coding-DNA position 8222, T replaced by C.
Protein change: p.Ile2741Thr; replaces isoleucine 2741 with threonine.
Molecular consequence: missense variant.
Genome position (GRCh38, 1-based): chr15:48,412,573, A>G on the plus strand (T>C on the coding strand, the complement: FBN1 is on the minus strand). VCF-style: chr15-48412573-A-G. GRCh37 (hg19) VCF-style: chr15-48704770-A-G.
Other names: c.8222T>C, p.Ile2741Thr (NM_001406716.1); short protein forms I2741T.
Identifiers: ClinVar variation 2933163 (VCV002933163.6), dbSNP rs1409931715, ClinGen allele CA392320687.